The following is an entry in ClinVar:

ClinVar aggregate classification (germline): Uncertain significance (1 of 4 stars; one submission).

Submission:

Labcorp Genetics (formerly Invitae), Labcorp
Classification: Uncertain significance. Last evaluated: 2025-02-17. Review status: criteria provided, single submitter. Criteria: Invitae Variant Classification Sherloc (09022015). Collection method: clinical testing. Allele origin: germline.
Comment: This sequence change replaces glutamine, which is neutral and polar, with arginine, which is basic and polar, at codon 310 of the ACOX2 protein (p.Gln310Arg). This variant is not present in population databases (gnomAD no frequency). This variant has not been reported in the literature in individuals affected with ACOX2-related conditions. Invitae Evidence Modeling of protein sequence and biophysical properties (such as structural, functional, and spatial information, amino acid conservation, physicochemical variation, residue mobility, and thermodynamic stability) indicates that this missense variant is not expected to disrupt ACOX2 protein function with a negative predictive value of 80%. In summary, the available evidence is currently insufficient to determine the role of this variant in disease. Therefore, it has been classified as a Variant of Uncertain Significance.

NM_003500.4(ACOX2):c.929A>G (p.Gln310Arg)

Gene: ACOX2 (acyl-CoA oxidase 2; minus strand). Cytogenetic location: 3p14.3.
Variant type: single nucleotide variant.
Coding change: c.929A>G on transcript NM_003500.4 (MANE Select); coding-DNA position 929, A replaced by G.
Protein change: p.Gln310Arg; replaces glutamine 310 with arginine.
Molecular consequence: missense variant.
Genome position (GRCh38, 1-based): chr3:58,530,529, T>C on the plus strand (A>G on the coding strand, the complement: ACOX2 is on the minus strand). VCF-style: chr3-58530529-T-C. GRCh37 (hg19) VCF-style: chr3-58516256-T-C.
Other names: short protein forms Q310R.
Identifiers: ClinVar variation 3701215 (VCV003701215.2).
Genomic context (GRCh38, chr3:58,530,529, plus strand): 5'-GGCCGGAGCCGGGATTGGCGGCGGATGACCGAGTAGCGCATGGCGATGACACAGGCCTTC[T>C]GCAGTATAGGGAGGATCTCCCCTGACAGCAGCTCCACCCGCACCACCACCATGGGAAGGT-3'
Protein context (NP_003491.1, residues 300-320): LLSGEILPIL[Gln310Arg]KACVIAMRYS